The following is an entry in ClinVar:

NM_080860.4(RSPH1):c.150C>A (p.Phe50Leu)

Genes: RSPH1 (radial spoke head component 1; minus strand), LOC126653391 (CDK7 strongly-dependent group 2 enhancer GRCh37_chr21:43912470-43913669; plus strand). Cytogenetic location: 21q22.3.
Variant type: single nucleotide variant.
Coding change: c.150C>A on transcript NM_080860.4 (MANE Select); coding-DNA position 150, C replaced by A.
Protein change: p.Phe50Leu; replaces phenylalanine 50 with leucine.
Molecular consequence: missense variant. On other transcripts: intron variant (1).
Genome position (GRCh38, 1-based): chr21:42,492,984, G>T on the plus strand (C>A on the coding strand, the complement: RSPH1 is on the minus strand). VCF-style: chr21-42492984-G-T. GRCh37 (hg19) VCF-style: chr21-43913094-G-T.
Other names: c.55-121C>A (NM_001286506.2); short protein forms F50L.
Identifiers: ClinVar variation 525456 (VCV000525456.7), dbSNP rs752263023, ClinGen allele CA10044047.

ClinVar aggregate classification (germline): Uncertain significance (1 of 4 stars; one submission).

Conditions:
Primary ciliary dyskinesia. Also called: Ciliary dyskinesia. Identifiers: Orphanet 244, MedGen C0008780, MONDO:0016575, HP:0012265.

Allele frequency attached by ClinVar (database versions not stated): gnomAD 0.00006; TOPMed 0.00007.
gnomAD v4.1: 158 of 1,613,932 alleles (0.0098%); highest among the groups gnomAD compares: Non-Finnish European, 0.013%; 1 homozygote.

Submissions (3):

Labcorp Genetics (formerly Invitae), Labcorp
Classification: Uncertain significance for Primary ciliary dyskinesia. Last evaluated: 2021-12-24. Review status: criteria provided, single submitter. Criteria: Invitae Variant Classification Sherloc (09022015). Collection method: clinical testing. Allele origin: germline.
Comment: This sequence change replaces phenylalanine, which is neutral and non-polar, with leucine, which is neutral and non-polar, at codon 50 of the RSPH1 protein (p.Phe50Leu). This variant is present in population databases (rs752263023, gnomAD 0.01%). This variant has not been reported in the literature in individuals affected with RSPH1-related conditions. ClinVar contains an entry for this variant (Variation ID: 525456). Algorithms developed to predict the effect of missense changes on protein structure and function (SIFT, PolyPhen-2, Align-GVGD) all suggest that this variant is likely to be tolerated. Algorithms developed to predict the effect of sequence changes on RNA splicing suggest that this variant is not likely to affect RNA splicing. In summary, the available evidence is currently insufficient to determine the role of this variant in disease. Therefore, it has been classified as a Variant of Uncertain Significance.

Dr. Peter K. Rogan Lab, Western University
No classification provided (evidence only). Condition: Melanoma. Review status: no classification provided. Collection method: in vitro. Allele origin: not applicable. Functional consequence: retained intron. Not counted in ClinVar's aggregate classification.

Dr. Peter K. Rogan Lab, Western University
No classification provided (evidence only). Condition: Acute myeloid leukemia. Review status: no classification provided. Collection method: in vitro. Allele origin: not applicable. Functional consequence: retained intron. Not counted in ClinVar's aggregate classification.